The following is an entry in ClinVar:

ClinVar aggregate classification (germline): Uncertain significance (1 of 4 stars; one submission).

Conditions:
Adenylosuccinate lyase deficiency (ADSLD). Also called: ADSL DEFICIENCY. Identifiers: Orphanet 46, MedGen C0268126, MONDO:0007068, OMIM 103050.

Submission:

Labcorp Genetics (formerly Invitae), Labcorp
Classification: Uncertain significance for Adenylosuccinate lyase deficiency. Last evaluated: 2025-10-18. Review status: criteria provided, single submitter. Criteria: Invitae Variant Classification Sherloc (09022015). Collection method: clinical testing. Allele origin: germline.
Comment: This variant occurs in a non-coding region of the ADSL gene. It does not change the encoded amino acid sequence of the ADSL protein. This variant is not present in population databases (gnomAD no frequency). This variant has not been reported in the literature in individuals affected with ADSL-related conditions. Experimental studies and prediction algorithms are not available or were not evaluated, and the functional significance of this variant is currently unknown. In summary, the available evidence is currently insufficient to determine the role of this variant in disease. Therefore, it has been classified as a Variant of Uncertain Significance.

NC_000022.11:g.40346019G>T

Gene: ADSL (adenylosuccinate lyase; plus strand). Cytogenetic location: 22q13.1.
Variant type: single nucleotide variant.
Genome position: GRCh38 VCF-style: chr22-40346019-G-T. GRCh37 (hg19) VCF-style: chr22-40742023-G-T.
Identifiers: ClinVar variation 1963774 (VCV001963774.5), dbSNP rs1024075575, ClinGen allele CA324446492.
Genomic context (GRCh38, chr22:40,346,019, plus strand): 5'-CTTGGGTATCTTCATTTCTCCTTAGAGCCGAGCTCGGTGCGCCGCGGGCAGGAGTGGGTG[G>T]GGCGACAGTAATAAGAGTAACAGCAAGCGTACACACGGCCTTCCAAGTGTGCCAGACACC-3'